The following is an entry in ClinVar:

NM_015259.6(ICOSLG):c.782C>A (p.Ala261Asp)

Gene: ICOSLG (inducible T cell costimulator ligand; minus strand). Cytogenetic location: 21q22.3.
Variant type: single nucleotide variant.
Coding change: c.782C>A on transcript NM_015259.6 (MANE Select); coding-DNA position 782, C replaced by A.
Protein change: p.Ala261Asp; replaces alanine 261 with aspartic acid.
Molecular consequence: missense variant.
Genome position (GRCh38, 1-based): chr21:44,231,360, G>T on the plus strand (C>A on the coding strand, the complement: ICOSLG is on the minus strand). VCF-style: chr21-44231360-G-T. GRCh37 (hg19) VCF-style: chr21-45651243-G-T.
Other names: c.782C>A, p.Ala261Asp (NM_001283050.2, NM_001395918.1); c.431C>A, p.Ala144Asp (NM_001283051.2); c.527C>A, p.Ala176Asp (NM_001283052.2); c.701C>A, p.Ala234Asp (NM_001365759.2); short protein forms A261D, A144D, A176D, A234D.
Identifiers: ClinVar variation 2866238 (VCV002866238.3), dbSNP rs779910248, ClinGen allele CA410613404.

ClinVar aggregate classification (germline): Uncertain significance (1 of 4 stars; one submission).

Submission:

Labcorp Genetics (formerly Invitae), Labcorp
Classification: Uncertain significance. Last evaluated: 2023-05-20. Review status: criteria provided, single submitter. Criteria: Invitae Variant Classification Sherloc (09022015). Collection method: clinical testing. Allele origin: germline.
Comment: This sequence change replaces alanine, which is neutral and non-polar, with aspartic acid, which is acidic and polar, at codon 261 of the ICOSLG protein (p.Ala261Asp). This variant is not present in population databases (gnomAD no frequency). In summary, the available evidence is currently insufficient to determine the role of this variant in disease. Therefore, it has been classified as a Variant of Uncertain Significance. An algorithm developed to predict the effect of missense changes on protein structure and function (PolyPhen-2) suggests that this variant is likely to be disruptive. This variant has not been reported in the literature in individuals affected with ICOSLG-related conditions.